The following is an entry in ClinVar:

NM_005188.4(CBL):c.1512G>T (p.Pro504=)

Gene: CBL (Cbl proto-oncogene; plus strand). Cytogenetic location: 11q23.3.
Variant type: single nucleotide variant.
Coding change: c.1512G>T on transcript NM_005188.4 (MANE Select); coding-DNA position 1512, G replaced by T.
Protein change: p.Pro504=; no amino-acid change (proline 504 retained).
Molecular consequence: synonymous variant.
Genome position (GRCh38, 1-based): chr11:119,285,049, G>T. VCF-style: chr11-119285049-G-T. GRCh37 (hg19) VCF-style: chr11-119155759-G-T.
Other names: c.1512G>T (NM_005188.2).
Identifiers: ClinVar variation 996237 (VCV000996237.10), dbSNP rs758285751, ClinGen allele CA6318542.

ClinVar aggregate classification (germline): Likely benign. Review status: criteria provided, multiple submitters, no conflicts (2 of 4 stars). 3 submissions from 3 submitters: Likely benign (3). Last evaluated 2025-10-22.

Conditions:
Cardiovascular phenotype. Identifiers: MedGen CN230736.
RASopathy. Also called: Noonan spectrum disorder; rasopathies. Identifiers: Orphanet 536391, MedGen C5555857, MONDO:0021060.

Allele frequency attached by ClinVar (database versions not stated): TOPMed 0.00002.

Submissions (3):

Labcorp Genetics (formerly Invitae), Labcorp
Classification: Likely benign for RASopathy. Last evaluated: 2025-10-22. Review status: criteria provided, single submitter. Criteria: Invitae Variant Classification Sherloc (09022015). Collection method: clinical testing. Allele origin: germline.

Ambry Genetics
Classification: Likely benign for Cardiovascular phenotype. Last evaluated: 2022-11-02. Review status: criteria provided, single submitter. Criteria: Ambry Variant Classification Scheme 2023. Collection method: clinical testing. Allele origin: germline.

Women's Health and Genetics/Laboratory Corporation of America, LabCorp
Classification: Likely benign. Last evaluated: 2021-01-21. Review status: criteria provided, single submitter. Criteria: LabCorp Variant Classification Summary - May 2015. Collection method: clinical testing. Allele origin: germline.
Comment: Variant summary: CBL c.1512G>T alters a non-conserved nucleotide resulting in a synonymous change. 4/4 computational tools predict no significant impact on normal splicing. However, these predictions have yet to be confirmed by functional studies. The variant allele was found at a frequency of 1.2e-05 in 251472 control chromosomes. The available data on variant occurrences in the general population are insufficient to allow any conclusion about variant significance. To our knowledge, no occurrence of c.1512G>T in individuals affected with Noonan Syndrome-Like Disorder and no experimental evidence demonstrating its impact on protein function have been reported. No clinical diagnostic laboratories have submitted clinical-significance assessments for this variant to ClinVar after 2014. Based on the evidence outlined above, the variant was classified as likely benign.